The following is an entry in ClinVar:

NM_033022.4(RPS24):c.168T>C (p.Phe56=)

Gene: RPS24 (ribosomal protein S24; plus strand). Cytogenetic location: 10q22.3.
Variant type: single nucleotide variant.
Coding change: c.168T>C on transcript NM_033022.4 (MANE Select); coding-DNA position 168, T replaced by C.
Protein change: p.Phe56=; no amino-acid change (phenylalanine 56 retained).
Molecular consequence: synonymous variant.
Genome position (GRCh38, 1-based): chr10:78,035,609, T>C. VCF-style: chr10-78035609-T-C. GRCh37 (hg19) VCF-style: chr10-79795367-T-C.
Other names: c.168T>C, p.Phe56= (NM_001026.5, NM_001142282.2, NM_001142283.2 and 2 more transcripts).
Identifiers: ClinVar variation 301092 (VCV000301092.46), dbSNP rs57866839, ClinGen allele CA5571957.

ClinVar aggregate classification (germline): Benign/Likely benign. Review status: criteria provided, multiple submitters, no conflicts (2 of 4 stars). 8 submissions from 8 submitters: Benign (3); Likely benign (5). Last evaluated 2026-02-01.

Conditions:
Diamond-Blackfan anemia. Also called: Red cell aplasia, pure hereditary; Congenital hypoplastic anemia; Aase syndrome; Blackfan Diamond syndrome; Aregenerative anemia chronic congenital. Identifiers: Orphanet 124, MedGen C1260899, MeSH D029503, MONDO:0015253, HP:0004810.
Diamond-Blackfan anemia 3 (DBA3). Also called: RPS24-Related Diamond-Blackfan Anemia. Identifiers: Orphanet 124, MedGen C1857719, MONDO:0012529, OMIM 610629.

Allele frequency attached by ClinVar (database versions not stated): gnomAD 0.00267 and 0.00250; TOPMed 0.00294; ESP Exome Variant Server 0.00315; gnomAD exomes 0.00027 and 0.00065; ExAC 0.00083; 1000 Genomes Project 30x 0.00219; 1000 Genomes Project 0.00220.
gnomAD v4.1: 800 of 1,612,936 alleles (0.05%); highest among the groups gnomAD compares: African/African-American, 0.93%; 4 homozygotes.

Submissions (8):

Labcorp Genetics (formerly Invitae), Labcorp
Classification: Benign for Diamond-Blackfan anemia. Last evaluated: 2026-02-01. Review status: criteria provided, single submitter. Criteria: Invitae Variant Classification Sherloc (09022015). Collection method: clinical testing. Allele origin: germline.

Blueprint Genetics
Classification: Likely benign. Last evaluated: 2024-11-21. Review status: criteria provided, single submitter. Criteria: ACMG Guidelines, 2015. Collection method: clinical testing. Allele origin: germline.

ARUP Laboratories, Molecular Genetics and Genomics, ARUP Laboratories
Classification: Likely benign for Diamond-Blackfan anemia 3. Last evaluated: 2024-02-22. Review status: criteria provided, single submitter. Criteria: ARUP Molecular Germline Variant Investigation Process 2024. Collection method: clinical testing. Allele origin: germline.

CeGaT Center for Human Genetics Tuebingen
Classification: Likely benign. Last evaluated: 2023-04-01. Review status: criteria provided, single submitter. Criteria: CeGaT Center For Human Genetics Tuebingen Variant Classification Criteria Version 2. Collection method: clinical testing. Allele origin: germline. Affected: yes. Observed: 1 variant allele.
Comment: RPS24: BP4, BP7

Ambry Genetics
Classification: Likely benign for Diamond-Blackfan anemia. Last evaluated: 2022-03-04. Review status: criteria provided, single submitter. Criteria: Ambry General Variant Classification Scheme_2022. Collection method: clinical testing. Allele origin: germline. Observed: 1 variant allele.

Fulgent Genetics
Classification: Likely benign for Diamond-Blackfan anemia 3. Last evaluated: 2021-07-22. Review status: criteria provided, single submitter. Criteria: ACMG Guidelines, 2015. Collection method: clinical testing. Allele origin: unknown.

Genetic Services Laboratory, University of Chicago
Classification: Benign. Last evaluated: 2019-08-26. Review status: criteria provided, single submitter. Criteria: ACMG Guidelines, 2015. Collection method: clinical testing. Allele origin: germline. Affected: no.

Illumina Laboratory Services, Illumina
Classification: Benign for Diamond-Blackfan anemia 3. Last evaluated: 2018-01-12. Review status: criteria provided, single submitter. Criteria: ICSL Variant Classification Criteria 13 December 2019. Collection method: clinical testing. Allele origin: germline.
Comment: This variant was observed in the ICSL laboratory as part of a predisposition screen in an ostensibly healthy population. It had not been previously curated by ICSL or reported in the Human Gene Mutation Database (HGMD: prior to June 1st, 2018), and was therefore a candidate for classification through an automated scoring system. Utilizing variant allele frequency, disease prevalence and penetrance estimates, and inheritance mode, an automated score was calculated to assess if this variant is too frequent to cause the disease. Based on the score and internal cut-off values, a variant classified as benign is not then subjected to further curation. The score for this variant resulted in a classification of benign for this disease.